The following is an entry in ClinVar:

NM_022455.5(NSD1):c.2890A>G (p.Asn964Asp)

Gene: NSD1 (nuclear receptor binding SET domain protein 1; plus strand). Cytogenetic location: 5q35.3.
Variant type: single nucleotide variant.
Coding change: c.2890A>G on transcript NM_022455.5 (MANE Select); coding-DNA position 2890, A replaced by G.
Protein change: p.Asn964Asp; replaces asparagine 964 with aspartic acid.
Molecular consequence: missense variant.
Genome position (GRCh38, 1-based): chr5:177,211,289, A>G. VCF-style: chr5-177211289-A-G. GRCh37 (hg19) VCF-style: chr5-176638290-A-G.
Other names: c.2017A>G, p.Asn673Asp (NM_001365684.2, NM_001409306.1, NM_001409307.1 and 3 more transcripts); c.2890A>G, p.Asn964Asp (NM_001409301.1, NM_001409302.1, NM_001409303.1); c.2470A>G, p.Asn824Asp (NM_001409304.1); c.2137A>G, p.Asn713Asp (NM_001409305.1); short protein forms N673D, N713D, N824D, N964D.
Identifiers: ClinVar variation 4801578 (VCV004801578.1).

ClinVar aggregate classification (germline): Uncertain significance (1 of 4 stars; one submission).

Submission:

Labcorp Genetics (formerly Invitae), Labcorp
Classification: Uncertain significance. Last evaluated: 2026-01-21. Review status: criteria provided, single submitter. Criteria: Invitae Variant Classification Sherloc (09022015). Collection method: clinical testing. Allele origin: germline.
Comment: This sequence change replaces asparagine, which is neutral and polar, with aspartic acid, which is acidic and polar, at codon 964 of the NSD1 protein (p.Asn964Asp). This variant is not present in population databases (gnomAD no frequency). This variant has not been reported in the literature in individuals affected with NSD1-related conditions. Invitae Evidence Modeling of protein sequence and biophysical properties (such as structural, functional, and spatial information, amino acid conservation, physicochemical variation, residue mobility, and thermodynamic stability) indicates that this missense variant is not expected to disrupt NSD1 protein function with a negative predictive value of 95%. In summary, the available evidence is currently insufficient to determine the role of this variant in disease. Therefore, it has been classified as a Variant of Uncertain Significance.